The following is an entry in ClinVar:

ClinVar aggregate classification (germline): Uncertain significance (1 of 4 stars; one submission).

Conditions:
Anauxetic dysplasia. Identifiers: Orphanet 93347, MedGen C1846796, MONDO:0011773.

Allele frequency attached by ClinVar (database versions not stated): gnomAD exomes below 0.00001.

Submission:

Labcorp Genetics (formerly Invitae), Labcorp
Classification: Uncertain significance for Anauxetic dysplasia. Last evaluated: 2021-12-21. Review status: criteria provided, single submitter. Criteria: Invitae Variant Classification Sherloc (09022015). Collection method: clinical testing. Allele origin: germline.
Comment: In summary, the available evidence is currently insufficient to determine the role of this variant in disease. Therefore, it has been classified as a Variant of Uncertain Significance. Experimental studies and prediction algorithms are not available or were not evaluated, and the functional significance of this variant is currently unknown. This variant has not been reported in the literature in individuals affected with RMRP-related conditions. This variant is not present in population databases (gnomAD no frequency). This variant occurs in the RMRP gene, which encodes an RNA molecule that does not result in a protein product.

NC_000009.12:g.35657720C>T

Gene: RMRP (RNA component of mitochondrial RNA processing endoribonuclease; minus strand). Cytogenetic location: 9p13.3.
Variant type: single nucleotide variant.
Genome position: GRCh38 VCF-style: chr9-35657720-C-T. GRCh37 (hg19) VCF-style: chr9-35657717-C-T.
Identifiers: ClinVar variation 2051492 (VCV002051492.2), dbSNP rs2490599035, ClinGen allele CA2580080425.